The following is an entry in ClinVar:

NM_024675.4(PALB2):c.2241_2245del (p.Thr748fs)

Gene: PALB2 (partner and localizer of BRCA2; minus strand). Cytogenetic location: 16p12.2.
Variant type: Deletion.
Coding change: c.2241_2245del on transcript NM_024675.4 (MANE Select); coding-DNA positions 2241 to 2245, 5 bases deleted (TACAG; older notation c.2241_2245delTACAG).
Protein change: p.Thr748fs; shifts the reading frame from threonine 748.
Molecular consequence: frameshift variant.
Genome position (GRCh38, 1-based): chr16:23,629,909-23,629,913, CTGTA deleted on the plus strand (TACAG on the coding strand, the reverse complement: PALB2 is on the minus strand). VCF-style (leftmost placement, unchanged base first): chr16-23629908-TCTGTA-T. GRCh37 (hg19) VCF-style: chr16-23641229-TCTGTA-T.
Other names: c.2181_2185delTACAG, p.Thr728Serfs (NM_001407296.1); c.2241_2245delTACAG, p.Thr748Serfs (NM_001407297.1, NM_001407298.1, NM_001407299.1 and 3 more transcripts); c.1356_1360delTACAG, p.Thr453Serfs (NM_001407304.1, NM_001407305.1, NM_001407306.1 and 5 more transcripts); c.453_457delTACAG, p.Thr152Serfs (NM_001407312.1, NM_001407313.1); short protein forms T748fs.
Identifiers: ClinVar variation 1788281 (VCV001788281.2), dbSNP rs2506415516, ClinGen allele CA2580091355.

ClinVar aggregate classification (germline): Pathogenic (1 of 4 stars; one submission).

Conditions:
Hereditary cancer-predisposing syndrome. Also called: Neoplastic Syndromes, Hereditary; Tumor predisposition; Hereditary Cancer Syndrome; Hereditary neoplastic syndrome. Identifiers: Orphanet 140162, MedGen C0027672, MeSH D009386, MONDO:0015356.

Submission:

Ambry Genetics
Classification: Pathogenic for Hereditary cancer-predisposing syndrome. Last evaluated: 2021-06-23. Review status: criteria provided, single submitter. Criteria: Ambry Variant Classification Scheme 2023. Collection method: clinical testing. Allele origin: germline.
Comment: The c.2241_2245delTACAG pathogenic mutation, located in coding exon 5 of the PALB2 gene, results from a deletion of 5 nucleotides at nucleotide positions 2241 to 2245, causing a translational frameshift with a predicted alternate stop codon (p.T748Sfs*23). This alteration is expected to result in loss of function by premature protein truncation or nonsense-mediated mRNA decay. As such, this alteration is interpreted as a disease-causing mutation.